The following is an entry in ClinVar:

NM_005670.4(EPM2A):c.53C>A (p.Pro18Gln)

Genes: EPM2A (EPM2A glucan phosphatase, laforin; minus strand), EPM2A-DT (EPM2A divergent transcript; plus strand), LOC129997381 (ATAC-STARR-seq lymphoblastoid silent region 17642; plus strand). Cytogenetic location: 6q24.3.
Variant type: single nucleotide variant.
Coding change: c.53C>A on transcript NM_005670.4 (MANE Select); coding-DNA position 53, C replaced by A.
Protein change: p.Pro18Gln; replaces proline 18 with glutamine.
Molecular consequence: missense variant. On other transcripts: 5 prime UTR variant (3), intron variant (1).
Genome position (GRCh38, 1-based): chr6:145,735,446, G>T on the plus strand (C>A on the coding strand, the complement: EPM2A is on the minus strand). VCF-style: chr6-145735446-G-T. GRCh37 (hg19) VCF-style: chr6-146056582-G-T.
Other names: c.53C>A, p.Pro18Gln (NM_001018041.2, NM_001360057.2, NM_001368130.1); c.-617C>A (NM_001360071.2); c.-571C>A (NM_001368129.2); c.-315C>A (NM_001368131.1); c.-114+462C>A (NM_001360064.2); short protein forms P18Q.
Identifiers: ClinVar variation 854787 (VCV000854787.9), dbSNP rs1422428137, ClinGen allele CA366188579.

ClinVar aggregate classification (germline): Uncertain significance (1 of 4 stars; one submission).

Conditions:
Progressive myoclonic epilepsy. Also called: Familial progressive myoclonic epilepsy; Myoclonus epilepsy; Progressive myoclonus epilepsy; Myoclonic Epilepsies, Progressive. Identifiers: Orphanet 308, Orphanet 98261, MedGen C0751778, MONDO:0020074.

Submission:

Labcorp Genetics (formerly Invitae), Labcorp
Classification: Uncertain significance for Progressive myoclonic epilepsy. Last evaluated: 2026-02-02. Review status: criteria provided, single submitter. Criteria: Invitae Variant Classification Sherloc (09022015). Collection method: clinical testing. Allele origin: germline.
Comment: This sequence change replaces proline, which is neutral and non-polar, with glutamine, which is neutral and polar, at codon 18 of the EPM2A protein (p.Pro18Gln). This variant is not present in population databases (gnomAD no frequency). This variant has not been reported in the literature in individuals affected with EPM2A-related conditions. ClinVar contains an entry for this variant (Variation ID: 854787). Invitae Evidence Modeling of protein sequence and biophysical properties (such as structural, functional, and spatial information, amino acid conservation, physicochemical variation, residue mobility, and thermodynamic stability) has been performed for this missense variant. However, the output from this modeling did not meet the statistical confidence thresholds required to predict the impact of this variant on EPM2A protein function. In summary, the available evidence is currently insufficient to determine the role of this variant in disease. Therefore, it has been classified as a Variant of Uncertain Significance.